The following is an entry in ClinVar:

ClinVar aggregate classification (germline): Uncertain significance (1 of 4 stars; one submission).

gnomAD v4.1: 3 of 1,610,372 alleles (0.00019%); highest among the groups gnomAD compares: Non-Finnish European, 0.00025%; no homozygotes.

Submission:

Dasa
Classification: Uncertain significance. Last evaluated: 2025-02-19. Review status: criteria provided, single submitter. Criteria: DASA Assertion Criteria. Collection method: clinical testing. Allele origin: germline.
Comment: NM_003128.3(SPTBN1):c.5961+7T>G is a splice-region variant. This variant is rare in population databases. Computational prediction algorithms are consistent with a benign effect. The currently available literature and clinical evidence are not sufficient to establish a definitive association between this variant and the reported condition. Therefore, this variant is classified as a variant of uncertain significance.

NM_003128.3(SPTBN1):c.5961+7T>G

Gene: SPTBN1 (spectrin beta, non-erythrocytic 1; plus strand). Cytogenetic location: 2p16.2.
Variant type: single nucleotide variant.
Coding change: c.5961+7T>G on transcript NM_003128.3 (MANE Select); 7 bases into the intron after coding-DNA position 5961, T replaced by G.
Molecular consequence: intron variant.
Genome position (GRCh38, 1-based): chr2:54,655,215, T>G. VCF-style: chr2-54655215-T-G. GRCh37 (hg19) VCF-style: chr2-54882352-T-G.
Other names: c.5922+7T>G (NM_178313.3).
Identifiers: ClinVar variation 4885361 (VCV004885361.2).